The following is an entry in ClinVar:

ClinVar aggregate classification (germline): Likely pathogenic (1 of 4 stars; one submission).

Conditions:
Intellectual developmental disorder, autosomal dominant 67 (MRD67). Also called: MENTAL RETARDATION, AUTOSOMAL DOMINANT 67. Identifiers: MedGen C5677006, MONDO:0030964, OMIM 619927.

Submission:

Greenwood Genetic Center Diagnostic Laboratories, Greenwood Genetic Center
Classification: Likely pathogenic for Intellectual developmental disorder, autosomal dominant 67. Last evaluated: 2024-09-27. Review status: criteria provided, single submitter. Criteria: ACMG Guidelines, 2015. Collection method: clinical testing. Allele origin: germline. Affected: yes.
Comment: PM2, PM6, PP2, PP3

NM_000827.4(GRIA1):c.1523C>A (p.Pro508Gln)

Gene: GRIA1 (glutamate ionotropic receptor AMPA type subunit 1; plus strand). Cytogenetic location: 5q33.2.
Variant type: single nucleotide variant.
Coding change: c.1523C>A on transcript NM_000827.4 (MANE Select); coding-DNA position 1523, C replaced by A.
Protein change: p.Pro508Gln; replaces proline 508 with glutamine.
Molecular consequence: missense variant. On other transcripts: non-coding transcript variant (2).
Genome position (GRCh38, 1-based): chr5:153,705,767, C>A. VCF-style: chr5-153705767-C-A. GRCh37 (hg19) VCF-style: chr5-153085327-C-A.
Other names: c.1523C>A, p.Pro508Gln (NM_001114183.2); c.1283C>A, p.Pro428Gln (NM_001258019.2); c.1238C>A, p.Pro413Gln (NM_001258020.2); c.1553C>A, p.Pro518Gln (NM_001258021.2, NM_001258022.2); c.1316C>A, p.Pro439Gln (NM_001258023.1, NM_001364167.2); c.1355C>A, p.Pro452Gln (NM_001364165.2); c.1550C>A, p.Pro517Gln (NM_001364166.2); short protein forms P413Q, P428Q, P439Q, P452Q, P508Q, P517Q, P518Q.
Identifiers: ClinVar variation 1676545 (VCV001676545.4), dbSNP rs2149520942, ClinGen allele CA361908013.